The following is an entry in ClinVar:

ClinVar aggregate classification (germline): Uncertain significance (1 of 4 stars; one submission).

Allele frequency attached by ClinVar (database versions not stated): gnomAD exomes below 0.00001.
gnomAD v4.1: 6 of 1,614,016 alleles (0.00037%); highest among the groups gnomAD compares: South Asian, 0.0033%; no homozygotes.

Submission:

Labcorp Genetics (formerly Invitae), Labcorp
Classification: Uncertain significance. Last evaluated: 2023-01-17. Review status: criteria provided, single submitter. Criteria: Invitae Variant Classification Sherloc (09022015). Collection method: clinical testing. Allele origin: germline.
Comment: This sequence change replaces serine, which is neutral and polar, with glycine, which is neutral and non-polar, at codon 935 of the HYOU1 protein (p.Ser935Gly). In summary, the available evidence is currently insufficient to determine the role of this variant in disease. Therefore, it has been classified as a Variant of Uncertain Significance. Algorithms developed to predict the effect of missense changes on protein structure and function output the following: SIFT: "Not Available"; PolyPhen-2: "Benign"; Align-GVGD: "Not Available". The glycine amino acid residue is found in multiple mammalian species, which suggests that this missense change does not adversely affect protein function. This variant has not been reported in the literature in individuals affected with HYOU1-related conditions. This variant is present in population databases (rs782253471, gnomAD 0.007%).

NM_006389.5(HYOU1):c.2803A>G (p.Ser935Gly)

Gene: HYOU1 (hypoxia up-regulated 1; minus strand). Cytogenetic location: 11q23.3.
Variant type: single nucleotide variant.
Coding change: c.2803A>G on transcript NM_006389.5 (MANE Select); coding-DNA position 2803, A replaced by G.
Protein change: p.Ser935Gly; replaces serine 935 with glycine.
Molecular consequence: missense variant.
Genome position (GRCh38, 1-based): chr11:119,046,595, T>C on the plus strand (A>G on the coding strand, the complement: HYOU1 is on the minus strand). VCF-style: chr11-119046595-T-C. GRCh37 (hg19) VCF-style: chr11-118917307-T-C.
Other names: c.2803A>G, p.Ser935Gly (NM_001130991.3, NM_001411041.1); short protein forms S935G.
Identifiers: ClinVar variation 2881020 (VCV002881020.3), dbSNP rs782253471, ClinGen allele CA229616788.